The following is an entry in ClinVar:

ClinVar aggregate classification (germline): association (1 of 4 stars; one submission).

Allele frequency attached by ClinVar (database versions not stated): ESP Exome Variant Server 0.00292; gnomAD 0.00338; 1000 Genomes Project 30x 0.00344; 1000 Genomes Project 0.00399; TOPMed 0.00402; ExAC 0.00450.
gnomAD v4.1: 7,767 of 1,613,996 alleles (0.48%); highest among the groups gnomAD compares: Admixed American, 0.81%; 57 homozygotes.

Submission:

Population Bio, Inc.
Classification: association. Last evaluated: 2022-08-30. Review status: criteria provided, single submitter. Criteria: Hatchwell et al (Front Neurol. 2022). Collection method: case-control. Allele origin: germline.
Comment: FCN2 variant c.932G>A (rs76267164) is associated with Progressive multifocal leukoencephalopathy (PML, ORPHA:217260).

Literature cited by the submitters: PubMed 32256442.

NM_004108.3(FCN2):c.932G>A (p.Arg311Gln)

Gene: FCN2 (ficolin 2; plus strand). Cytogenetic location: 9q34.3.
Variant type: single nucleotide variant.
Coding change: c.932G>A on transcript NM_004108.3 (MANE Select); coding-DNA position 932, G replaced by A.
Protein change: p.Arg311Gln; replaces arginine 311 with glutamine.
Molecular consequence: missense variant.
Genome position (GRCh38, 1-based): chr9:134,887,405, G>A. VCF-style: chr9-134887405-G-A. GRCh37 (hg19) VCF-style: chr9-137779251-G-A.
Other names: c.818G>A, p.Arg273Gln (NM_015837.3); short protein forms R273Q, R311Q.
Identifiers: ClinVar variation 1705277 (VCV001705277.2), dbSNP rs76267164, ClinGen allele CA5321394.